The following is an entry in ClinVar:

NM_014014.5(SNRNP200):c.4984A>G (p.Ile1662Val)

Gene: SNRNP200 (small nuclear ribonucleoprotein U5 subunit 200; minus strand). Cytogenetic location: 2q11.2.
Variant type: single nucleotide variant.
Coding change: c.4984A>G on transcript NM_014014.5 (MANE Select); coding-DNA position 4984, A replaced by G.
Protein change: p.Ile1662Val; replaces isoleucine 1662 with valine.
Molecular consequence: missense variant.
Genome position (GRCh38, 1-based): chr2:96,281,854, T>C on the plus strand (A>G on the coding strand, the complement: SNRNP200 is on the minus strand). VCF-style: chr2-96281854-T-C. GRCh37 (hg19) VCF-style: chr2-96947592-T-C.
Other names: short protein forms I1662V.
Identifiers: ClinVar variation 2094669 (VCV002094669.4), dbSNP rs2467319192, ClinGen allele CA347662238.

ClinVar aggregate classification (germline): Uncertain significance (1 of 4 stars; one submission).

Submission:

Labcorp Genetics (formerly Invitae), Labcorp
Classification: Uncertain significance. Last evaluated: 2022-12-14. Review status: criteria provided, single submitter. Criteria: Invitae Variant Classification Sherloc (09022015). Collection method: clinical testing. Allele origin: germline.
Comment: This sequence change replaces isoleucine, which is neutral and non-polar, with valine, which is neutral and non-polar, at codon 1662 of the SNRNP200 protein (p.Ile1662Val). This variant is not present in population databases (gnomAD no frequency). This variant has not been reported in the literature in individuals affected with SNRNP200-related conditions. Advanced modeling of protein sequence and biophysical properties (such as structural, functional, and spatial information, amino acid conservation, physicochemical variation, residue mobility, and thermodynamic stability) performed at Invitae indicates that this missense variant is not expected to disrupt SNRNP200 protein function. In summary, the available evidence is currently insufficient to determine the role of this variant in disease. Therefore, it has been classified as a Variant of Uncertain Significance.